The following is an entry in ClinVar:

ClinVar aggregate classification (germline): Uncertain significance. Review status: criteria provided, multiple submitters, no conflicts (2 of 4 stars). 2 submissions from 2 submitters: Uncertain significance (2). Last evaluated 2026-08-28.

Conditions:
EHHADH-related disorder. Also called: EHHADH-related condition.

gnomAD v4.1: 8 of 1,614,142 alleles (0.0005%); highest among the groups gnomAD compares: Admixed American, 0.0033%; no homozygotes.

Submissions (2):

PreventionGenetics, part of Exact Sciences
Classification: Uncertain significance for EHHADH-related condition. Last evaluated: 2026-08-28. Review status: criteria provided, single submitter. Criteria: ACMG Guidelines, 2015. Collection method: clinical testing. Allele origin: germline.
Comment: The EHHADH c.2120C>T variant is predicted to result in the amino acid substitution p.Pro707Leu. To our knowledge, this variant has not been reported in the literature. This variant is reported in 0.0058% of alleles in individuals of Latino descent in gnomAD. At this time, the clinical significance of this variant is uncertain due to the absence of conclusive functional and genetic evidence.

Ambry Genetics
Classification: Uncertain significance. Last evaluated: 2025-08-25. Review status: criteria provided, single submitter. Criteria: Ambry Variant Classification Scheme 2023. Collection method: clinical testing. Allele origin: germline.

NM_001966.4(EHHADH):c.2120C>T (p.Pro707Leu)

Gene: EHHADH (enoyl-CoA hydratase and 3-hydroxyacyl CoA dehydrogenase; minus strand). Cytogenetic location: 3q27.2.
Variant type: single nucleotide variant.
Coding change: c.2120C>T on transcript NM_001966.4 (MANE Select); coding-DNA position 2120, C replaced by T.
Protein change: p.Pro707Leu; replaces proline 707 with leucine.
Molecular consequence: missense variant.
Genome position (GRCh38, 1-based): chr3:185,192,278, G>A on the plus strand (C>T on the coding strand, the complement: EHHADH is on the minus strand). VCF-style: chr3-185192278-G-A. GRCh37 (hg19) VCF-style: chr3-184910066-G-A.
Other names: c.1832C>T, p.Pro611Leu (NM_001166415.2); short protein forms P611L, P707L.
Identifiers: ClinVar variation 3354865 (VCV003354865.3).